The following is an entry in ClinVar:

NM_000329.3(RPE65):c.1123G>C (p.Asp375His)

Gene: RPE65 (retinoid isomerohydrolase RPE65; minus strand). Cytogenetic location: 1p31.3.
Variant type: single nucleotide variant.
Coding change: c.1123G>C on transcript NM_000329.3 (MANE Select); coding-DNA position 1123, G replaced by C.
Protein change: p.Asp375His; replaces aspartic acid 375 with histidine.
Molecular consequence: missense variant.
Genome position (GRCh38, 1-based): chr1:68,438,192, C>G on the plus strand (G>C on the coding strand, the complement: RPE65 is on the minus strand). VCF-style: chr1-68438192-C-G. GRCh37 (hg19) VCF-style: chr1-68903875-C-G.
Other names: short protein forms D375H.
Identifiers: ClinVar variation 1491050 (VCV001491050.8), dbSNP rs1645874113, ClinGen allele CA340743994.

ClinVar aggregate classification (germline): Uncertain significance (1 of 4 stars; one submission).

Conditions:
Retinitis pigmentosa 20 (RP20). Identifiers: Orphanet 791, MedGen C3151086, MONDO:0013425, OMIM 613794.
Leber congenital amaurosis 2 (LCA2). Also called: AMAUROSIS CONGENITA OF LEBER II; Autosomal Recessive RPE65-Related Retinal Degeneration. Identifiers: Orphanet 65, MedGen C1859844, MONDO:0008765, OMIM 204100. Disease mechanism: loss of function.

Submission:

Labcorp Genetics (formerly Invitae), Labcorp
Classification: Uncertain significance for Leber congenital amaurosis 2; Retinitis pigmentosa 20. Last evaluated: 2024-02-24. Review status: criteria provided, single submitter. Criteria: Invitae Variant Classification Sherloc (09022015). Collection method: clinical testing. Allele origin: germline.
Comment: This sequence change replaces aspartic acid, which is acidic and polar, with histidine, which is basic and polar, at codon 375 of the RPE65 protein (p.Asp375His). This variant is not present in population databases (gnomAD no frequency). This variant has not been reported in the literature in individuals affected with RPE65-related conditions. ClinVar contains an entry for this variant (Variation ID: 1491050). Advanced modeling of protein sequence and biophysical properties (such as structural, functional, and spatial information, amino acid conservation, physicochemical variation, residue mobility, and thermodynamic stability) performed at Invitae indicates that this missense variant is not expected to disrupt RPE65 protein function with a negative predictive value of 80%. In summary, the available evidence is currently insufficient to determine the role of this variant in disease. Therefore, it has been classified as a Variant of Uncertain Significance.